The following is an entry in ClinVar:

ClinVar aggregate classification (germline): Uncertain significance. Review status: criteria provided, multiple submitters, no conflicts (2 of 4 stars). 3 submissions from 3 submitters: Uncertain significance (3). Last evaluated 2023-04-11.

Conditions:
Inborn genetic diseases. Identifiers: MedGen C0950123, MeSH D030342.
Maple syrup urine disease (MSUD). Identifiers: Orphanet 511, MedGen C0024776, MeSH D008375, MONDO:0009563. Disease mechanism: loss of function.

Allele frequency attached by ClinVar (database versions not stated): gnomAD exomes below 0.00001; ExAC 0.00001; gnomAD 0.00001.
gnomAD v4.1: 4 of 1,611,170 alleles (0.00025%); highest among the groups gnomAD compares: South Asian, 0.0033%; no homozygotes.

Submissions (3):

Genome-Nilou Lab
Classification: Uncertain significance for Maple syrup urine disease type 1A. Last evaluated: 2023-04-11. Review status: criteria provided, single submitter. Criteria: ACMG Guidelines, 2015. Collection method: clinical testing. Allele origin: germline. Affected: no.

Ambry Genetics
Classification: Uncertain significance for Inborn genetic diseases. Last evaluated: 2022-11-18. Review status: criteria provided, single submitter. Criteria: Ambry Variant Classification Scheme 2023. Collection method: clinical testing. Allele origin: germline.

Labcorp Genetics (formerly Invitae), Labcorp
Classification: Uncertain significance for Maple syrup urine disease. Last evaluated: 2022-08-12. Review status: criteria provided, single submitter. Criteria: Invitae Variant Classification Sherloc (09022015). Collection method: clinical testing. Allele origin: germline.
Comment: This sequence change replaces threonine, which is neutral and polar, with alanine, which is neutral and non-polar, at codon 407 of the DBT protein (p.Thr407Ala). This variant is present in population databases (rs761825178, gnomAD 0.003%). This variant has not been reported in the literature in individuals affected with DBT-related conditions. Algorithms developed to predict the effect of missense changes on protein structure and function are either unavailable or do not agree on the potential impact of this missense change (SIFT: "Deleterious"; PolyPhen-2: "Benign"; Align-GVGD: "Class C0"). In summary, the available evidence is currently insufficient to determine the role of this variant in disease. Therefore, it has been classified as a Variant of Uncertain Significance.

NM_001918.5(DBT):c.1219A>G (p.Thr407Ala)

Gene: DBT (dihydrolipoamide branched chain transacylase E2; minus strand). Cytogenetic location: 1p21.2.
Variant type: single nucleotide variant.
Coding change: c.1219A>G on transcript NM_001918.5 (MANE Select); coding-DNA position 1219, A replaced by G.
Protein change: p.Thr407Ala; replaces threonine 407 with alanine.
Molecular consequence: missense variant. On other transcripts: non-coding transcript variant (4).
Genome position (GRCh38, 1-based): chr1:100,206,292, T>C on the plus strand (A>G on the coding strand, the complement: DBT is on the minus strand). VCF-style: chr1-100206292-T-C. GRCh37 (hg19) VCF-style: chr1-100671848-T-C.
Other names: c.676A>G, p.Thr226Ala (NM_001399969.1, NM_001399972.1); short protein forms T407A, T226A.
Identifiers: ClinVar variation 1939334 (VCV001939334.4), dbSNP rs761825178, ClinGen allele CA969527.
Genomic context (GRCh38, chr1:100,206,292, plus strand): 5'-TAATTGATCCAAGGGCCCCAATGGCTACTTCAGGTGGCATTATCACTGGTTTGGCAAAGG[T>C]ACCACCAATCTATTTTTTAAAAAAAAAAAAAGGAGAGTATTAAAAGTTAAGATTTTTCAG-3'
Protein context (NP_001909.4, residues 397-417): TLSNIGSIGG[Thr407Ala]FAKPVIMPPE